The following is an entry in ClinVar:

NM_004525.3(LRP2):c.8603A>C (p.Glu2868Ala)

Gene: LRP2 (LDL receptor related protein 2; minus strand). Cytogenetic location: 2q31.1.
Variant type: single nucleotide variant.
Coding change: c.8603A>C on transcript NM_004525.3 (MANE Select); coding-DNA position 8603, A replaced by C.
Protein change: p.Glu2868Ala; replaces glutamic acid 2868 with alanine.
Molecular consequence: missense variant.
Genome position (GRCh38, 1-based): chr2:169,197,006, T>G on the plus strand (A>C on the coding strand, the complement: LRP2 is on the minus strand). VCF-style: chr2-169197006-T-G. GRCh37 (hg19) VCF-style: chr2-170053516-T-G.
Other names: short protein forms E2868A.
Identifiers: ClinVar variation 1432680 (VCV001432680.5), dbSNP rs149252072, ClinGen allele CA1953801.
Genomic context (GRCh38, chr2:169,197,006, plus strand): 5'-TCTGTTTCTTGATCACAATACCAATGTTGAGGAATACAGCGCCCAGATGCGCATTGGAAC[T>G]CACTGCTGCTGCACGTGTGAGTGGCTGCAGGAGGGAAAGAAGATAAAACCCATGAGCAAA-3'
Protein context (NP_004516.2, residues 2858-2878): YCTTHTCSSS[Glu2868Ala]FQCASGRCIP

ClinVar aggregate classification (germline): Uncertain significance. Review status: criteria provided, multiple submitters, no conflicts (2 of 4 stars). 2 submissions from 2 submitters: Uncertain significance (2). Last evaluated 2024-05-15.

Conditions:
Donnai-Barrow syndrome. Also called: DBS/FOAR SYNDROME; FACIOOCULOACOUSTICORENAL SYNDROME. Identifiers: Orphanet 2143, MedGen C1857277, MONDO:0009104, OMIM 222448.

Allele frequency attached by ClinVar (database versions not stated): gnomAD exomes 0.00001 and 0.00006; ExAC 0.00002; TOPMed 0.00003; gnomAD 0.00004; ESP Exome Variant Server 0.00015.

Submissions (2):

Fulgent Genetics
Classification: Uncertain significance for Donnai-Barrow syndrome. Last evaluated: 2024-05-15. Review status: criteria provided, single submitter. Criteria: ACMG Guidelines, 2015. Collection method: clinical testing. Allele origin: germline.

Labcorp Genetics (formerly Invitae), Labcorp
Classification: Uncertain significance. Last evaluated: 2022-01-18. Review status: criteria provided, single submitter. Criteria: Invitae Variant Classification Sherloc (09022015). Collection method: clinical testing. Allele origin: germline.
Comment: This sequence change replaces glutamic acid, which is acidic and polar, with alanine, which is neutral and non-polar, at codon 2868 of the LRP2 protein (p.Glu2868Ala). This variant is present in population databases (rs149252072, gnomAD 0.002%). This variant has not been reported in the literature in individuals affected with LRP2-related conditions. Advanced modeling of protein sequence and biophysical properties (such as structural, functional, and spatial information, amino acid conservation, physicochemical variation, residue mobility, and thermodynamic stability) performed at Invitae indicates that this missense variant is expected to disrupt LRP2 protein function. In summary, the available evidence is currently insufficient to determine the role of this variant in disease. Therefore, it has been classified as a Variant of Uncertain Significance.